The following is an entry in ClinVar:

NM_178452.6(DNAAF1):c.741+2T>G

Gene: DNAAF1 (dynein axonemal assembly factor 1; plus strand). Cytogenetic location: 16q24.1.
Variant type: single nucleotide variant.
Coding change: c.741+2T>G on transcript NM_178452.6 (MANE Select); the canonical splice donor site of the intron after coding-DNA position 741, T replaced by G.
Molecular consequence: splice donor variant.
Genome position (GRCh38, 1-based): chr16:84,155,751, T>G. VCF-style: chr16-84155751-T-G. GRCh37 (hg19) VCF-style: chr16-84189356-T-G.
Identifiers: ClinVar variation 2987827 (VCV002987827.3), dbSNP rs2087395615, ClinGen allele CA396944024.

ClinVar aggregate classification (germline): Likely pathogenic (1 of 4 stars; one submission).

Conditions:
Primary ciliary dyskinesia. Also called: Ciliary dyskinesia. Identifiers: Orphanet 244, MedGen C0008780, MONDO:0016575, HP:0012265.

Allele frequency attached by ClinVar (database versions not stated): gnomAD exomes below 0.00001.
gnomAD v4.1: 2 of 1,614,024 alleles (0.00012%); highest among the groups gnomAD compares: Non-Finnish European, 0.00017%; no homozygotes.

Submission:

Labcorp Genetics (formerly Invitae), Labcorp
Classification: Likely pathogenic for Primary ciliary dyskinesia. Last evaluated: 2023-06-25. Review status: criteria provided, single submitter. Criteria: Invitae Variant Classification Sherloc (09022015). Collection method: clinical testing. Allele origin: germline.
Comment: In summary, the currently available evidence indicates that the variant is pathogenic, but additional data are needed to prove that conclusively. Therefore, this variant has been classified as Likely Pathogenic. Algorithms developed to predict the effect of sequence changes on RNA splicing suggest that this variant may disrupt the consensus splice site. This variant has not been reported in the literature in individuals affected with DNAAF1-related conditions. This variant is not present in population databases (gnomAD no frequency). This sequence change affects a donor splice site in intron 5 of the DNAAF1 gene. It is expected to disrupt RNA splicing. Variants that disrupt the donor or acceptor splice site typically lead to a loss of protein function (PMID: 16199547), and loss-of-function variants in DNAAF1 are known to be pathogenic (PMID: 19944400, 19944405).

Literature cited by the submitters: PubMed 16199547; PubMed 19944400; PubMed 19944405.